The following continues an entry in ClinVar:

NM_001005242.3(PKP2):c.302G>A (p.Arg101His)

Gene: PKP2. ClinVar aggregate classification (germline): Conflicting classifications of pathogenicity. Uncertain significance (8); Likely benign (8).

Submissions 11 to 16 of 16:

ARUP Laboratories, Molecular Genetics and Genomics, ARUP Laboratories
Classification: Uncertain significance for Arrhythmogenic right ventricular dysplasia 9. Last evaluated: 2020-01-20. Review status: criteria provided, single submitter. Criteria: ARUP Molecular Germline Variant Investigation Process. Collection method: clinical testing. Allele origin: germline.
Comment: The p.Arg101His variant (rs149542398) has been observed in several cohorts of cardiomyopathy patients (selected references: Allegue 2015, Fressart 2010, Pugh 2014) and one control cohort (Ng 2013); however, specific clinical information and segregated data were not provided. This variant is listed in the Genome Aggregation Database (gnomAD) browser with a frequency in non-Finnish Europeans of 0.034% (identified in 43 out of 126,664 chromosomes). It is also listed in the ClinVar database (Variation ID: 45076). The arginine at codon 101 is weakly conserved considering 8 species (Alamut software v2.9), and computational analyses suggest this does not have a significant effect on PKP2 protein structure/function (SIFT: tolerated, PolyPhen2: benign, and Mutation Taster: polymorphism). However, based on the available information, the clinical significance of the p.Arg101His variant cannot be determined with certainty.

CHEO Genetics Diagnostic Laboratory, Children's Hospital of Eastern Ontario
Classification: Likely benign for Cardiomyopathy. Last evaluated: 2020-01-08. Review status: criteria provided, single submitter. Criteria: ACMG Guidelines, 2015. Collection method: clinical testing. Allele origin: germline.

Color Diagnostics, LLC DBA Color Health
Classification: Likely benign for Cardiomyopathy. Last evaluated: 2019-11-22. Review status: criteria provided, single submitter. Criteria: ACMG Guidelines, 2015. Collection method: clinical testing. Allele origin: germline.

Illumina Laboratory Services, Illumina
Classification: Uncertain significance for Arrhythmogenic right ventricular dysplasia 9. Last evaluated: 2019-11-21. Review status: criteria provided, single submitter. Criteria: ICSL Variant Classification Criteria 13 December 2019. Collection method: clinical testing. Allele origin: germline.
Comment: This variant was observed as part of a predisposition screen in an ostensibly healthy population. A literature search was performed for the gene, cDNA change, and amino acid change (where applicable). Publications were found based on this search. However, the evidence from the literature, in combination with allele frequency data from public databases where available, was not sufficient to rule this variant in or out of causing disease. Therefore, this variant is classified as a variant of unknown significance.

Laboratory for Molecular Medicine, Mass General Brigham Personalized Medicine
Classification: Likely benign. Last evaluated: 2016-01-22. Review status: criteria provided, single submitter. Criteria: LMM Criteria. Collection method: clinical testing. Allele origin: germline. Observed: 4 variant alleles.
Comment: p.Arg101His in exon 2 of PKP2: This variant is not expected to have clinical sig nificance due to a lack of conservation across species, including mammals. Of no te, the seal and 3 bat species have a histidine (His) at this position despite h igh nearby amino acid conservation. In addition, computational prediction tools do not suggest a high likelihood of impact to the protein. It has also been iden tified in 13/66714 European chromosomes by the Exome Aggregation Consortium (ExA C; dbSNP rs149542398).

Biesecker Lab/Clinical Genomics Section, National Institutes of Health
Classification: Uncertain significance. Last evaluated: 2013-06-24. Review status: criteria provided, single submitter. Criteria: Ng et al. (Circ Cardiovasc Genet. 2013). Collection method: research. Allele origin: unknown. Observed: 1 variant allele. Study: ClinSeq.
Comment: The study set was not selected for affection status in relation to any cancer. Pathogenicity categories were based on literature curation. See Pubmed ID:23861362 for details.

Medical sequencing

Literature cited by the submitters: PubMed 20400443 (cited by 7 submitters); PubMed 23396983 (cited by 4 submitters); PubMed 24503780 (cited by 7 submitters); PubMed 26230511 (cited by 6 submitters); PubMed 30821013 (cited by Women's Health and Genetics/Laboratory Corporation of America, LabCorp and Mayo Clinic Laboratories, Mayo Clinic); PubMed 23861362 (cited by 4 submitters); PubMed 25351510 (cited by 3 submitters); PubMed 33029862 (cited by 3 submitters); PubMed 27085656 (cited by 3 submitters); PubMed 29172153 (cited by Ambry Genetics); PubMed 29192238 (cited by Ambry Genetics); PubMed 29288195 (cited by Ambry Genetics); PubMed 37937776 (cited by Mayo Clinic Laboratories, Mayo Clinic); PubMed 17010805 (cited by Victorian Clinical Genetics Services, Murdoch Childrens Research Institute); PubMed 23183494 (cited by Victorian Clinical Genetics Services, Murdoch Childrens Research Institute).